The following is an entry in ClinVar:

NM_021922.3(FANCE):c.851T>C (p.Ile284Thr)

Gene: FANCE (FA complementation group E; plus strand). Cytogenetic location: 6p21.31.
Variant type: single nucleotide variant.
Coding change: c.851T>C on transcript NM_021922.3 (MANE Select); coding-DNA position 851, T replaced by C.
Protein change: p.Ile284Thr; replaces isoleucine 284 with threonine.
Molecular consequence: missense variant.
Genome position (GRCh38, 1-based): chr6:35,456,349, T>C. VCF-style: chr6-35456349-T-C. GRCh37 (hg19) VCF-style: chr6-35424126-T-C.
Other names: short protein forms I284T.
Identifiers: ClinVar variation 665018 (VCV000665018.8), dbSNP rs370661452, ClinGen allele CA3771488.

ClinVar aggregate classification (germline): Uncertain significance. Review status: criteria provided, multiple submitters, no conflicts (2 of 4 stars). 3 submissions from 3 submitters: Uncertain significance (3). Last evaluated 2023-12-23.

Conditions:
Fanconi anemia complementation group E (FANCE). Also called: FANCE-Related Fanconi Anemia. Identifiers: Orphanet 84, MedGen C3160739, MONDO:0010953, OMIM 600901.
Inborn genetic diseases. Identifiers: MedGen C0950123, MeSH D030342.

Allele frequency attached by ClinVar (database versions not stated): gnomAD 0.00002 and 0.00003; TOPMed 0.00007; ESP Exome Variant Server 0.00008.
gnomAD v4.1: 13 of 1,614,064 alleles (0.00081%); highest among the groups gnomAD compares: African/African-American, 0.013%; no homozygotes.

Submissions (3):

Fulgent Genetics
Classification: Uncertain significance for Fanconi anemia complementation group E. Last evaluated: 2023-12-23. Review status: criteria provided, single submitter. Criteria: ACMG Guidelines, 2015. Collection method: clinical testing. Allele origin: germline.

Ambry Genetics
Classification: Uncertain significance for Inborn genetic diseases. Last evaluated: 2022-10-12. Review status: criteria provided, single submitter. Criteria: Ambry Variant Classification Scheme 2023. Collection method: clinical testing. Allele origin: germline.

Labcorp Genetics (formerly Invitae), Labcorp
Classification: Uncertain significance for Fanconi anemia complementation group E. Last evaluated: 2021-08-28. Review status: criteria provided, single submitter. Criteria: Invitae Variant Classification Sherloc (09022015). Collection method: clinical testing. Allele origin: germline.
Comment: This sequence change replaces isoleucine with threonine at codon 284 of the FANCE protein (p.Ile284Thr). The isoleucine residue is weakly conserved and there is a moderate physicochemical difference between isoleucine and threonine. This variant is present in population databases (rs370661452, ExAC 0.02%). This variant has not been reported in the literature in individuals affected with FANCE-related conditions. Algorithms developed to predict the effect of missense changes on protein structure and function are either unavailable or do not agree on the potential impact of this missense change (SIFT: "Tolerated"; PolyPhen-2: "Possibly Damaging"; Align-GVGD: "Class C0"). In summary, the available evidence is currently insufficient to determine the role of this variant in disease. Therefore, it has been classified as a Variant of Uncertain Significance.